The following is an entry in ClinVar:

NM_000260.4(MYO7A):c.849+2T>C

Gene: MYO7A (myosin VIIA; plus strand). Cytogenetic location: 11q13.5.
Variant type: single nucleotide variant.
Coding change: c.849+2T>C on transcript NM_000260.4 (MANE Select); the canonical splice donor site of the intron after coding-DNA position 849, T replaced by C.
Molecular consequence: splice donor variant.
Genome position (GRCh38, 1-based): chr11:77,157,394, T>C. VCF-style: chr11-77157394-T-C. GRCh37 (hg19) VCF-style: chr11-76868440-T-C.
Other names: c.816+2T>C (NM_001369365.1); c.849+2T>C (NM_001127180.2).
Identifiers: ClinVar variation 1074478 (VCV001074478.9), dbSNP rs2135245850, ClinGen allele CA381932720.

ClinVar aggregate classification (germline): Pathogenic (1 of 4 stars; one submission).

Allele frequency attached by ClinVar (database versions not stated): gnomAD exomes below 0.00001.
gnomAD v4.1: 1 of 1,598,910 alleles (0.000063%); highest among the groups gnomAD compares: Non-Finnish European, 0.000085%; no homozygotes.

Submission:

Labcorp Genetics (formerly Invitae), Labcorp
Classification: Pathogenic. Last evaluated: 2022-02-27. Review status: criteria provided, single submitter. Criteria: Invitae Variant Classification Sherloc (09022015). Collection method: clinical testing. Allele origin: germline.
Comment: This sequence change affects a donor splice site in intron 8 of the MYO7A gene. It is expected to disrupt RNA splicing. Variants that disrupt the donor or acceptor splice site typically lead to a loss of protein function (PMID: 16199547), and loss-of-function variants in MYO7A are known to be pathogenic (PMID: 8900236, 25404053). This variant is not present in population databases (gnomAD no frequency). Disruption of this splice site has been observed in individual(s) with clinical features of Usher syndrome (PMID: 29287864). In at least one individual the data is consistent with being in trans (on the opposite chromosome) from a pathogenic variant. It has also been observed to segregate with disease in related individuals. ClinVar contains an entry for this variant (Variation ID: 1074478). Algorithms developed to predict the effect of sequence changes on RNA splicing suggest that this variant may disrupt the consensus splice site. For these reasons, this variant has been classified as Pathogenic.

Literature cited by the submitters: PubMed 16199547; PubMed 8900236; PubMed 25404053; PubMed 29287864.